The following is an entry in ClinVar:

NM_005591.4(MRE11):c.403-6_403-5delinsAT

Gene: MRE11 (MRE11 double strand break repair nuclease; minus strand). Cytogenetic location: 11q21.
Variant type: Indel.
Coding change: c.403-6_403-5delinsAT on transcript NM_005591.4 (MANE Select); 6 bases into the intron before coding-DNA position 403 through 5 bases into the intron before coding-DNA position 403, GC replaced by AT.
Molecular consequence: intron variant.
Genome position (GRCh38, 1-based): chr11:94,478,881-94,478,882, GC replaced by AT on the plus strand (GC replaced by AT on the coding strand, the reverse complement: MRE11 is on the minus strand). VCF-style: chr11-94478881-GC-AT. GRCh37 (hg19) VCF-style: chr11-94212047-GC-AT.
Other names: c.403-6_403-5delinsAT (NM_001330347.2, NM_005590.4); c.403-6_403-5delGCinsAT (NM_005591.3).
Identifiers: ClinVar variation 466441 (VCV000466441.13), dbSNP rs1555015255, ClinGen allele CA658658087.

ClinVar aggregate classification (germline): Conflicting classifications of pathogenicity. Review status: criteria provided, conflicting classifications (1 of 4 stars). 2 submissions from 2 submitters: Uncertain significance (1); Likely benign (1). Last evaluated 2025-10-01.

Conditions:
Ataxia-telangiectasia-like disorder (ATLD). Identifiers: MedGen C1858391, MONDO:0011457.
Hereditary cancer-predisposing syndrome. Also called: Neoplastic Syndromes, Hereditary; Tumor predisposition; Hereditary Cancer Syndrome; Hereditary neoplastic syndrome. Identifiers: Orphanet 140162, MedGen C0027672, MeSH D009386, MONDO:0015356.

Submissions (2):

Labcorp Genetics (formerly Invitae), Labcorp
Classification: Likely benign for Ataxia-telangiectasia-like disorder. Last evaluated: 2025-10-01. Review status: criteria provided, single submitter. Criteria: Invitae Variant Classification Sherloc (09022015). Collection method: clinical testing. Allele origin: germline.

Ambry Genetics
Classification: Uncertain significance for Hereditary cancer-predisposing syndrome. Last evaluated: 2024-07-18. Review status: criteria provided, single submitter. Criteria: Ambry Variant Classification Scheme 2023. Collection method: clinical testing. Allele origin: germline.
Comment: The c.403-6_403-5delGCinsAT intronic variant, located in intron 4 of the MRE11A gene, results from a deletion of two nucleotides and the insertion of two nucleotides at 6 and 5 nucleotides upstream from coding exon 5. These nucleotide positions are poorly conserved in available vertebrate species. In silico splice site analysis predicts that this alteration may weaken the native splice acceptor site. Based on the available evidence, the clinical significance of this variant remains unclear.